The following is an entry in ClinVar:

ClinVar aggregate classification (germline): Uncertain significance (1 of 4 stars; one submission).

Conditions:
DNA ligase IV deficiency. Identifiers: Orphanet 99812, MedGen C1847827, MONDO:0011686, OMIM 606593.

Allele frequency attached by ClinVar (database versions not stated): gnomAD exomes below 0.00001.

Submission:

Labcorp Genetics (formerly Invitae), Labcorp
Classification: Uncertain significance for DNA ligase IV deficiency. Last evaluated: 2025-02-10. Review status: criteria provided, single submitter. Criteria: Invitae Variant Classification Sherloc (09022015). Collection method: clinical testing. Allele origin: germline.
Comment: This sequence change replaces histidine, which is basic and polar, with tyrosine, which is neutral and polar, at codon 215 of the LIG4 protein (p.His215Tyr). This variant is present in population databases (no rsID available, gnomAD 0.01%). This variant has not been reported in the literature in individuals affected with LIG4-related conditions. ClinVar contains an entry for this variant (Variation ID: 855830). Invitae Evidence Modeling of protein sequence and biophysical properties (such as structural, functional, and spatial information, amino acid conservation, physicochemical variation, residue mobility, and thermodynamic stability) indicates that this missense variant is not expected to disrupt LIG4 protein function with a negative predictive value of 95%. In summary, the available evidence is currently insufficient to determine the role of this variant in disease. Therefore, it has been classified as a Variant of Uncertain Significance.

NM_206937.2(LIG4):c.643C>T (p.His215Tyr)

Gene: LIG4 (DNA ligase 4; minus strand). Cytogenetic location: 13q33.3.
Variant type: single nucleotide variant.
Coding change: c.643C>T on transcript NM_206937.2 (MANE Select); coding-DNA position 643, C replaced by T.
Protein change: p.His215Tyr; replaces histidine 215 with tyrosine.
Molecular consequence: missense variant.
Genome position (GRCh38, 1-based): chr13:108,210,626, G>A on the plus strand (C>T on the coding strand, the complement: LIG4 is on the minus strand). VCF-style: chr13-108210626-G-A. GRCh37 (hg19) VCF-style: chr13-108862974-G-A.
Other names: c.643C>T, p.His215Tyr (NM_001098268.2, NM_001352598.2, NM_001352599.2 and 6 more transcripts); c.442C>T, p.His148Tyr (NM_001330595.2); c.679C>T, p.His227Tyr (NM_001352604.2); short protein forms H215Y, H227Y, H148Y.
Identifiers: ClinVar variation 855830 (VCV000855830.2), dbSNP rs1327104442, ClinGen allele CA388621070.